The following is an entry in ClinVar:

NM_002473.6(MYH9):c.4391G>A (p.Arg1464His)

Gene: MYH9 (myosin heavy chain 9; minus strand). Cytogenetic location: 22q12.3.
Variant type: single nucleotide variant.
Coding change: c.4391G>A on transcript NM_002473.6 (MANE Select); coding-DNA position 4391, G replaced by A.
Protein change: p.Arg1464His; replaces arginine 1464 with histidine.
Molecular consequence: missense variant.
Genome position (GRCh38, 1-based): chr22:36,289,251, C>T on the plus strand (G>A on the coding strand, the complement: MYH9 is on the minus strand). VCF-style: chr22-36289251-C-T. GRCh37 (hg19) VCF-style: chr22-36685297-C-T.
Other names: short protein forms R1464H.
Identifiers: ClinVar variation 341501 (VCV000341501.13), dbSNP rs199968414, ClinGen allele CA10209369.

ClinVar aggregate classification (germline): Conflicting classifications of pathogenicity. Review status: criteria provided, conflicting classifications (1 of 4 stars). 7 submissions from 6 submitters: Uncertain significance (4); Benign (1); Likely benign (1). 1 of the submissions does not count toward it. Last evaluated 2025-11-04.

Conditions:
Autosomal dominant nonsyndromic hearing loss 17. Also called: Deafness, autosomal dominant 17; Autosomal dominant nonsyndromic deafness 17. Identifiers: Orphanet 90635, MedGen C1863659, MONDO:0011350, OMIM 603622.
Macrothrombocytopenia and granulocyte inclusions with or without nephritis or sensorineural hearing loss (MATINS). Also called: MYH9-Related Disease (MYH9-RD); BLEEDING DISORDER, PLATELET-TYPE, 6; SEBASTIAN PLATELET SYNDROME; MACROTHROMBOCYTOPENIA WITH DISPERSED LEUKOCYTIC INCLUSIONS; MACROTHROMBOCYTOPENIA, NEPHRITIS, AND DEAFNESS; MACROTHROMBOCYTOPENIA, NEPHRITIS, DEAFNESS, AND LEUKOCYTE INCLUSIONS. Identifiers: Orphanet 182050, MedGen C5200934, MONDO:0015912, OMIM 155100.
MYH9-related disorder. Identifiers: MedGen C1854520.
Inborn genetic diseases. Identifiers: MedGen C0950123, MeSH D030342.

Allele frequency attached by ClinVar (database versions not stated): gnomAD exomes 0.00003 and 0.00005; gnomAD 0.00001; ExAC 0.00005; 1000 Genomes Project 30x 0.00016; TOPMed 0.00002; 1000 Genomes Project 0.00020.
gnomAD v4.1: 46 of 1,612,708 alleles (0.0029%); highest among the groups gnomAD compares: East Asian, 0.089%; no homozygotes.

Submissions (7):

Labcorp Genetics (formerly Invitae), Labcorp
Classification: Likely benign. Last evaluated: 2025-11-04. Review status: criteria provided, single submitter. Criteria: Invitae Variant Classification Sherloc (09022015). Collection method: clinical testing. Allele origin: germline.

GeneDx
Classification: Uncertain significance. Last evaluated: 2025-09-17. Review status: criteria provided, single submitter. Criteria: GeneDx Variant Classification Process June 2021. Collection method: clinical testing. Allele origin: germline.
Comment: Identified in patients with either steroid-sensitive nephrotic syndrome or minimal-change nephrotic syndrome in published literature (PMID: 36646731, 30712057); In silico analysis supports that this missense variant has a deleterious effect on protein structure/function; This variant is associated with the following publications: (PMID: 36646731, 30712057, 30556268)

Ambry Genetics
Classification: Uncertain significance for Inborn genetic diseases. Last evaluated: 2024-06-11. Review status: criteria provided, single submitter. Criteria: Ambry Variant Classification Scheme 2023. Collection method: clinical testing. Allele origin: germline.

Fulgent Genetics
Classification: Uncertain significance for Macrothrombocytopenia and granulocyte inclusions with or without nephritis or sensorineural hearing loss; Autosomal dominant nonsyndromic hearing loss 17. Last evaluated: 2024-05-06. Review status: criteria provided, single submitter. Criteria: ACMG Guidelines, 2015. Collection method: clinical testing. Allele origin: germline.

Illumina Laboratory Services, Illumina
Classification: Benign for MYH9-related disorder. Last evaluated: 2018-01-13. Review status: criteria provided, single submitter. Criteria: ICSL Variant Classification Criteria 13 December 2019. Collection method: clinical testing. Allele origin: germline.
Comment: This variant was observed in the ICSL laboratory as part of a predisposition screen in an ostensibly healthy population. It had not been previously curated by ICSL or reported in the Human Gene Mutation Database (HGMD: prior to June 1st, 2018), and was therefore a candidate for classification through an automated scoring system. Utilizing variant allele frequency, disease prevalence and penetrance estimates, and inheritance mode, an automated score was calculated to assess if this variant is too frequent to cause the disease. Based on the score and internal cut-off values, a variant classified as benign is not then subjected to further curation. The score for this variant resulted in a classification of benign for this disease.

Illumina Laboratory Services, Illumina
Classification: Uncertain significance for Autosomal dominant nonsyndromic hearing loss 17. Last evaluated: 2018-01-13. Review status: criteria provided, single submitter. Criteria: ICSL Variant Classification Criteria 13 December 2019. Collection method: clinical testing. Allele origin: germline.

Department of Pathology and Laboratory Medicine, Sinai Health System
Classification: Uncertain significance. Review status: no assertion criteria provided. Collection method: clinical testing. Allele origin: unknown. Affected: yes. Study: The Canadian Open Genetics Repository (COGR). Not counted in ClinVar's aggregate classification.
Comment: The MYH9 p.Arg1464His variant was not identified in the literature nor was it identified in Cosmic or LOVD 3.0. The variant was identified in dbSNP (ID: rs199968414) as â€šÃ„ÃºWith Likely benign alleleâ€šÃ„Ã¹. In ClinVar, the variant is classified as likely benign by Illumina Clinical Services Laboratory for MYH9-related disorder and autosomal dominant non-syndromic hearing loss. The variant was identified in control databases in 13 of 280610 chromosomes at a frequency of 0.000046 (Genome Aggregation Database Feb 27, 2017). The variant was observed in the following populations: East Asian in 12 of 19916 chromosomes (freq: 0.000603) and South Asian in 1 of 30544 chromosomes (freq: 0.000033); it was not observed in the African, Latino, Ashkenazi Jewish, European (Finnish), European (non-Finnish), and Other populations. The variant occurs outside of the splicing consensus sequence and in silico or computational prediction software programs (SpliceSiteFinder, MaxEntScan, NNSPLICE, and GeneSplicer) do not predict a difference in splicing. The p.Arg1464 residue is conserved in mammals and computational analyses (PolyPhen-2, SIFT, AlignGVGD, BLOSUM, and MutationTaster) provide inconsistent predictions regarding the impact to the protein; this information is not very predictive of pathogenicity. In summary, based on the above information the clinical significance of this variant cannot be determined with certainty at this time. This variant is classified as a variant of uncertain significance.

Literature cited by the submitters: PubMed 30556268 (cited by Ambry Genetics); PubMed 30712057 (cited by Ambry Genetics); PubMed 36646731 (cited by Ambry Genetics).